The following is an entry in ClinVar:

ClinVar aggregate classification (germline): Conflicting classifications of pathogenicity. Review status: criteria provided, conflicting classifications (1 of 4 stars). 9 submissions from 9 submitters: Pathogenic (1); Likely pathogenic (1); Uncertain significance (5). 2 of the submissions do not count toward it. Last evaluated 2026-07-01.

Conditions:
GAA-related disorder. Also called: GAA-related condition.
Glycogen storage disease, type II (IOPD). Also called: GLYCOGENOSIS, GENERALIZED, CARDIAC FORM; GSD II; Glycogen storage disease type 2; Acid maltase deficiency disease; Aglucosidase alfa; Deficiency of alpha-glucosidase. Identifiers: Orphanet 365, MedGen C0017921, MONDO:0009290, OMIM 232300.

Allele frequency attached by ClinVar (database versions not stated): TOPMed below 0.00001; ExAC 0.00002; gnomAD exomes 0.00002 and 0.00003.

Submissions (9):

Genomenon, Inc
Classification: Uncertain significance for Glycogen storage disease, type II. Last evaluated: 2026-07-01. Review status: criteria provided, single submitter. Criteria: Genomenon Sequence Variant Interpretation Standards - Updated. Collection method: curation. Allele origin: germline. Affected: no.
Comment: GAA p.Arg106His (c.317G>A) is a missense variant that changes the amino acid at codon 106 from Arginine to Histidine. This variant has been reported in the published literature (PMID:34922579;31076647;34356580;33560568;33073027). It is absent or not present at a significant frequency in gnomAD. In conclusion, we classify GAA p.Arg106His (c.317G>A) as a variant of uncertain significance.

Labcorp Genetics (formerly Invitae), Labcorp
Classification: Pathogenic for Glycogen storage disease, type II. Last evaluated: 2025-04-02. Review status: criteria provided, single submitter. Criteria: Invitae Variant Classification Sherloc (09022015). Collection method: clinical testing. Allele origin: germline.
Comment: This sequence change replaces arginine, which is basic and polar, with histidine, which is basic and polar, at codon 106 of the GAA protein (p.Arg106His). This variant is present in population databases (rs772534106, gnomAD 0.01%). This missense change has been observed in individuals with clinical features of Pompe disease (PMID: 31076647). ClinVar contains an entry for this variant (Variation ID: 286481). Invitae Evidence Modeling of protein sequence and biophysical properties (such as structural, functional, and spatial information, amino acid conservation, physicochemical variation, residue mobility, and thermodynamic stability) indicates that this missense variant is expected to disrupt GAA protein function with a positive predictive value of 95%. This variant disrupts the p.Arg106 amino acid residue in GAA. Other variant(s) that disrupt this residue have been determined to be pathogenic (PMID: 35123877, 36246652; internal data). This suggests that this residue is clinically significant, and that variants that disrupt this residue are likely to be disease-causing. For these reasons, this variant has been classified as Pathogenic.

3billion
Classification: Likely pathogenic for Glycogen storage disease, type II. Last evaluated: 2024-08-28. Review status: criteria provided, single submitter. Criteria: ACMG Guidelines, 2015. Collection method: clinical testing. Allele origin: germline. Affected: yes.
Comment: The variant is observed at an extremely low frequency in the gnomAD v4.0.0 dataset (total allele frequency: 0.003%). Predicted Consequence/Location: Missense variant In silico tool predictions suggest damaging effect of the variant on gene or gene product [3Cnet: 0.84 (>=0.6, sensitivity 0.72 and precision 0.9)]. The variant has been reported to be in trans with a pathogenic variant as either compound heterozygous or homozygous in at least one similarly affected unrelated individual (PMID: 31076647).A different missense change at the same codon (p.Arg106Gly) has been reported to be associated with GAA related disorder (ClinVar ID: VCV000840775). Therefore, this variant is classified as Likely pathogenic according to the recommendation of ACMG/AMP guideline.

Revvity Omics, Revvity
Classification: Uncertain significance. Last evaluated: 2023-08-30. Review status: criteria provided, single submitter. Criteria: ACMG Guidelines, 2015. Collection method: clinical testing. Allele origin: germline.

Fulgent Genetics
Classification: Uncertain significance for Glycogen storage disease, type II. Last evaluated: 2022-03-01. Review status: criteria provided, single submitter. Criteria: ACMG Guidelines, 2015. Collection method: clinical testing. Allele origin: unknown.

Genome-Nilou Lab
Classification: Uncertain significance for Glycogen storage disease, type II. Last evaluated: 2021-09-05. Review status: criteria provided, single submitter. Criteria: ACMG Guidelines, 2015. Collection method: clinical testing. Allele origin: germline. Affected: no.

Eurofins Ntd Llc (ga)
Classification: Uncertain significance. Last evaluated: 2016-03-01. Review status: criteria provided, single submitter. Criteria: EGL Classification Definitions 2015. Collection method: clinical testing. Allele origin: germline. Observed: 1 variant allele, 1 heterozygote.

PreventionGenetics, part of Exact Sciences
Classification: Uncertain significance for GAA-related condition. Last evaluated: 2024-08-28. Review status: no assertion criteria provided. Collection method: clinical testing. Allele origin: germline. Not counted in ClinVar's aggregate classification.
Comment: The GAA c.317G>A variant is predicted to result in the amino acid substitution p.Arg106His. This variant has been reported in multiple individuals undergoing newborn screening for Pompe disease; however, functional studies were not performed to assess pathogenicity (Momosaki et al. 2019. PubMed ID: 31076647). This variant is reported in 0.011% of alleles in individuals of East Asian descent in gnomAD. A different missense change impacting the same amino acid (c.316C>T, p.Arg106Cys) has been reported in the compound heterozygous state with a pathogenic variant in an individual with late-onset Pompe disease, and in vitro studies were consistent with GAA enzyme deficiency (Huggins et al. 2022. PubMed ID: 35123877). Although we suspect that the c.317G>A (p.Arg106His) variant may be pathogenic, at this time, the clinical significance of this variant is uncertain due to the absence of conclusive functional and genetic evidence.

Natera, Inc.
Classification: Uncertain significance for Glycogen storage disease type II. Last evaluated: 2020-08-12. Review status: no assertion criteria provided. Collection method: clinical testing. Allele origin: germline. Not counted in ClinVar's aggregate classification.

Literature cited by the submitters: PubMed 34922579 (cited by Genomenon, Inc); PubMed 31076647 (cited by 3 submitters); PubMed 34356580 (cited by Genomenon, Inc); PubMed 33560568 (cited by Genomenon, Inc); PubMed 33073027 (cited by Genomenon, Inc); PubMed 35123877 (cited by Labcorp Genetics (formerly Invitae), Labcorp); PubMed 36246652 (cited by Labcorp Genetics (formerly Invitae), Labcorp).

NM_000152.5(GAA):c.317G>A (p.Arg106His)

Gene: GAA (alpha glucosidase; plus strand). Cytogenetic location: 17q25.3.
Variant type: single nucleotide variant.
Coding change: c.317G>A on transcript NM_000152.5 (MANE Select); coding-DNA position 317, G replaced by A.
Protein change: p.Arg106His; replaces arginine 106 with histidine.
Molecular consequence: missense variant.
Genome position (GRCh38, 1-based): chr17:80,104,903, G>A. VCF-style: chr17-80104903-G-A. GRCh37 (hg19) VCF-style: chr17-78078702-G-A.
Other names: c.317G>A (LRG_673t1, NM_000152.4); c.317G>A, p.Arg106His (NM_001079803.3, NM_001079804.3); short protein forms R106H.
Identifiers: ClinVar variation 286481 (VCV000286481.26), dbSNP rs772534106, ClinGen allele CA8814849.